The following is an entry in ClinVar:

NM_000492.4(CFTR):c.1813T>C (p.Ser605Pro)

Gene: CFTR (CF transmembrane conductance regulator; plus strand). Cytogenetic location: 7q31.2.
Variant type: single nucleotide variant.
Coding change: c.1813T>C on transcript NM_000492.4 (MANE Select); coding-DNA position 1813, T replaced by C.
Protein change: p.Ser605Pro; replaces serine 605 with proline.
Molecular consequence: missense variant.
Genome position (GRCh38, 1-based): chr7:117,591,980, T>C. VCF-style: chr7-117591980-T-C. GRCh37 (hg19) VCF-style: chr7-117232034-T-C.
Other names: short protein forms S605P.
Identifiers: ClinVar variation 5007143 (VCV005007143.2).

ClinVar aggregate classification (germline): Uncertain significance (1 of 4 stars; one submission).

Conditions:
Hereditary pancreatitis (PCTT). Also called: Hereditary chronic pancreatitis; PRSS1-Related Hereditary Pancreatitis. Identifiers: Orphanet 676, MedGen C0238339, MONDO:0008185, OMIM 167800.
Congenital bilateral aplasia of vas deferens from CFTR mutation (CBAVD). Identifiers: Orphanet 48, MedGen C0403814, MONDO:0010178, OMIM 277180. Disease mechanism: loss of function.
Cystic fibrosis (CF). Also called: MUCOVISCIDOSIS. Identifiers: Orphanet 586, MedGen C0010674, MONDO:0009061, OMIM 219700. Disease mechanism: loss of function.
Bronchiectasis with or without elevated sweat chloride 1 (BESC1). Also called: Cystic Fibrosis-Like Syndrome. Identifiers: Orphanet 60033, MedGen C2749757, MONDO:0008887, OMIM 211400.

gnomAD v4.1: 1 of 1,599,096 alleles (0.000063%); highest among the groups gnomAD compares: East Asian, 0.0022%; no homozygotes.

Submission:

Juno Genomics, Hangzhou Juno Genomics, Inc
Classification: Uncertain significance for Bronchiectasis with or without elevated sweat chloride 1; Hereditary pancreatitis; Congenital bilateral aplasia of vas deferens from CFTR mutation; Cystic fibrosis. Review status: criteria provided, single submitter. Criteria: ACMG Guidelines, 2015. Collection method: clinical testing. Allele origin: germline.
Comment: Absent from controls (or at extremely low frequency if recessive) in Genome Aggregation Database.;Multiple lines of computational evidence support a deleterious effect on the gene or gene product.